The following is an entry in ClinVar:

ClinVar aggregate classification (germline): Uncertain significance (1 of 4 stars; one submission).

Conditions:
Cardiovascular phenotype. Identifiers: MedGen CN230736.

Allele frequency attached by ClinVar (database versions not stated): gnomAD exomes below 0.00001.
gnomAD v4.1: 1 of 1,614,086 alleles (0.000062%); highest among the groups gnomAD compares: Non-Finnish European, 0.000085%; no homozygotes.

Submission:

Ambry Genetics
Classification: Uncertain significance for Cardiovascular phenotype. Last evaluated: 2023-02-11. Review status: criteria provided, single submitter. Criteria: Ambry Variant Classification Scheme 2023. Collection method: clinical testing. Allele origin: germline.
Comment: The p.E3863G variant (also known as c.11588A>G), located in coding exon 26 of the APOB gene, results from an A to G substitution at nucleotide position 11588. The glutamic acid at codon 3863 is replaced by glycine, an amino acid with similar properties. This amino acid position is conserved. In addition, this alteration is predicted to be tolerated by in silico analysis. Since supporting evidence is limited at this time, the clinical significance of this alteration remains unclear.

NM_000384.3(APOB):c.11588A>G (p.Glu3863Gly)

Gene: APOB (apolipoprotein B; minus strand). Cytogenetic location: 2p24.1.
Variant type: single nucleotide variant.
Coding change: c.11588A>G on transcript NM_000384.3 (MANE Select); coding-DNA position 11588, A replaced by G.
Protein change: p.Glu3863Gly; replaces glutamic acid 3863 with glycine.
Molecular consequence: missense variant.
Genome position (GRCh38, 1-based): chr2:21,005,280, T>C on the plus strand (A>G on the coding strand, the complement: APOB is on the minus strand). VCF-style: chr2-21005280-T-C. GRCh37 (hg19) VCF-style: chr2-21228152-T-C.
Other names: short protein forms E3863G.
Identifiers: ClinVar variation 2451327 (VCV002451327.2), dbSNP rs2103350490, ClinGen allele CA345977983.
Genomic context (GRCh38, chr2:21,005,280, plus strand): 5'-AGTGCTTGAAAGGAAGGAATGACAATTCCAGCAGGTACAGAGAACTTAATGGAGGGAATC[T>C]CAATGGTCTGCTCAGGCACGATGATGGTGGGCAACTCAAAGTCTGCGATCTTGTTGGCTA-3'
Protein context (NP_000375.3, residues 3853-3873): PTIIVPEQTI[Glu3863Gly]IPSIKFSVPA